The following is an entry in ClinVar:

ClinVar aggregate classification (germline): Uncertain significance. Review status: criteria provided, multiple submitters, no conflicts (2 of 4 stars). 2 submissions from 2 submitters: Uncertain significance (2). Last evaluated 2025-02-27.

Allele frequency attached by ClinVar (database versions not stated): gnomAD exomes 0.00001 and 0.00004; gnomAD 0.00002; TOPMed 0.00003.
gnomAD v4.1: 66 of 1,551,546 alleles (0.0043%); highest among the groups gnomAD compares: Non-Finnish European, 0.0055%; no homozygotes.

Submissions (2):

Ambry Genetics
Classification: Uncertain significance. Last evaluated: 2025-02-27. Review status: criteria provided, single submitter. Criteria: Ambry Variant Classification Scheme 2023. Collection method: clinical testing. Allele origin: germline.

Labcorp Genetics (formerly Invitae), Labcorp
Classification: Uncertain significance. Last evaluated: 2023-06-22. Review status: criteria provided, single submitter. Criteria: Invitae Variant Classification Sherloc (09022015). Collection method: clinical testing. Allele origin: germline.
Comment: This sequence change replaces histidine, which is basic and polar, with tyrosine, which is neutral and polar, at codon 582 of the DTHD1 protein (p.His582Tyr). This variant is present in population databases (no rsID available, gnomAD 0.003%). This variant has not been reported in the literature in individuals affected with DTHD1-related conditions. ClinVar contains an entry for this variant (Variation ID: 969129). An algorithm developed to predict the effect of missense changes on protein structure and function (PolyPhen-2) suggests that this variant is likely to be disruptive. In summary, the available evidence is currently insufficient to determine the role of this variant in disease. Therefore, it has been classified as a Variant of Uncertain Significance.

NM_001170700.3(DTHD1):c.2614C>T (p.His872Tyr)

Gene: DTHD1 (death domain containing 1; plus strand). Cytogenetic location: 4p14.
Variant type: single nucleotide variant.
Coding change: c.2614C>T on transcript NM_001170700.3 (MANE Select); coding-DNA position 2614, C replaced by T.
Protein change: p.His872Tyr; replaces histidine 872 with tyrosine.
Molecular consequence: missense variant. On other transcripts: synonymous variant (1), non-coding transcript variant (2).
Genome position (GRCh38, 1-based): chr4:36,343,717, C>T. VCF-style: chr4-36343717-C-T. GRCh37 (hg19) VCF-style: chr4-36345339-C-T.
Other names: c.1744C>T, p.His582Tyr (NM_001136536.5); c.1623C>T, p.Asp541= (NM_001378435.1); c.2239C>T (NM_001170700.1); short protein forms H582Y, H872Y.
Identifiers: ClinVar variation 969129 (VCV000969129.10), dbSNP rs977890073, ClinGen allele CA95814351.